The following is an entry in ClinVar:

NM_001127222.2(CACNA1A):c.1722A>G (p.Thr574=)

Gene: CACNA1A (calcium voltage-gated channel subunit alpha1 A; minus strand). Cytogenetic location: 19p13.13.
Variant type: single nucleotide variant.
Coding change: c.1722A>G on transcript NM_001127222.2 (MANE Select); coding-DNA position 1722, A replaced by G.
Protein change: p.Thr574=; no amino-acid change (threonine 574 retained).
Molecular consequence: synonymous variant.
Genome position (GRCh38, 1-based): chr19:13,308,475, T>C on the plus strand (A>G on the coding strand, the complement: CACNA1A is on the minus strand). VCF-style: chr19-13308475-T-C. GRCh37 (hg19) VCF-style: chr19-13419289-T-C.
Other names: c.1725A>G, p.Thr575= (NM_000068.4, NM_001127221.2, NM_001174080.2 and 1 more transcripts).
Identifiers: ClinVar variation 509836 (VCV000509836.1), dbSNP rs1555759053, ClinGen allele CA505661457.

ClinVar aggregate classification (germline): Likely benign (1 of 4 stars; one submission).

Allele frequency attached by ClinVar (database versions not stated): gnomAD exomes 0.00002.
gnomAD v4.1: 15 of 1,613,704 alleles (0.00093%); highest among the groups gnomAD compares: Non-Finnish European, 0.0013%; no homozygotes.

Submission:

GeneDx
Classification: Likely benign. Last evaluated: 2017-05-25. Review status: criteria provided, single submitter. Criteria: GeneDx Variant Classification (06012015). Collection method: clinical testing. Allele origin: germline. Affected: yes.
Comment: This variant is considered likely benign or benign based on one or more of the following criteria: it is a conservative change, it occurs at a poorly conserved position in the protein, it is predicted to be benign by multiple in silico algorithms, and/or has population frequency not consistent with disease.